The following is an entry in ClinVar:

NM_182972.3(IRF2BP2):c.616GGC[1] (p.Gly207del)

Genes: IRF2BP2 (interferon regulatory factor 2 binding protein 2; minus strand), LOC129932811 (ATAC-STARR-seq lymphoblastoid silent region 1976; plus strand). Cytogenetic location: 1q42.3.
Variant type: Microsatellite.
Coding change: c.616GGC[1] on transcript NM_182972.3 (MANE Select); one copy of the 3-base unit GGC starting at c.616; the reference has two copies in a row; one copy, 3 bases deleted.
Protein change: p.Gly207del; deletes glycine 207.
Molecular consequence: inframe deletion.
Genome position (GRCh38, 1-based): chr1:234,608,874-234,608,876, GCC deleted on the plus strand (GGC on the coding strand, the reverse complement: IRF2BP2 is on the minus strand); deleting any 3 consecutive bases within chr1:234,608,874-234,608,880 gives the same sequence; the position shown is the placement nearest the transcript's 3' end. VCF-style (leftmost placement, unchanged base first): chr1-234608873-GGCC-G. GRCh37 (hg19) VCF-style: chr1-234744619-GGCC-G.
Other names: c.616GGC[1], p.Gly207del (NM_001077397.1); short protein forms G207del.
Identifiers: ClinVar variation 1384767 (VCV001384767.6), dbSNP rs1327903818, ClinGen allele CA733030018.

ClinVar aggregate classification (germline): Uncertain significance (1 of 4 stars; one submission).

Submission:

Labcorp Genetics (formerly Invitae), Labcorp
Classification: Uncertain significance. Last evaluated: 2025-06-01. Review status: criteria provided, single submitter. Criteria: Invitae Variant Classification Sherloc (09022015). Collection method: clinical testing. Allele origin: germline.
Comment: This variant, c.619_621del, results in the deletion of 1 amino acid(s) of the IRF2BP2 protein (p.Gly207del), but otherwise preserves the integrity of the reading frame. This variant is not present in population databases (gnomAD no frequency). This variant has not been reported in the literature in individuals affected with IRF2BP2-related conditions. Experimental studies and prediction algorithms are not available or were not evaluated, and the functional significance of this variant is currently unknown. In summary, the available evidence is currently insufficient to determine the role of this variant in disease. Therefore, it has been classified as a Variant of Uncertain Significance.